The following is an entry in ClinVar:

NM_031407.7(HUWE1):c.8897A>G (p.Glu2966Gly)

Gene: HUWE1 (HECT, UBA and WWE domain containing E3 ubiquitin protein ligase 1; minus strand). Cytogenetic location: Xp11.22.
Variant type: single nucleotide variant.
Coding change: c.8897A>G on transcript NM_031407.7 (MANE Select); coding-DNA position 8897, A replaced by G.
Protein change: p.Glu2966Gly; replaces glutamic acid 2966 with glycine.
Molecular consequence: missense variant.
Genome position (GRCh38, 1-based): chrX:53,551,465, T>C on the plus strand (A>G on the coding strand, the complement: HUWE1 is on the minus strand). VCF-style: chrX-53551465-T-C. GRCh37 (hg19) VCF-style: chrX-53578426-T-C.
Other names: short protein forms E2966G.
Identifiers: ClinVar variation 3527233 (VCV003527233.2).
Genomic context (GRCh38, chrX:53,551,465, plus strand): 5'-TGTAGAACTTCCCGACGGATGTCATCAGGCAGGGCAGCCAGAAAAGAGGGGTCCACACCT[T>C]CAGGGAGACTGATACCTGAAGGGAGATATAACATGTAAAGGGATTCACGCCTTATTAATT-3'
Protein context (NP_113584.3, residues 2956-2976): EDPLAGISLP[Glu2966Gly]GVDPSFLAAL

ClinVar aggregate classification (germline): Uncertain significance (1 of 4 stars; one submission).

Conditions:
Inborn genetic diseases. Identifiers: MedGen C0950123, MeSH D030342.

Submission:

Ambry Genetics
Classification: Uncertain significance for Inborn genetic diseases. Last evaluated: 2025-03-07. Review status: criteria provided, single submitter. Criteria: Ambry Variant Classification Scheme 2023. Collection method: clinical testing. Allele origin: germline.
Comment: The c.8897A>G (p.E2966G) alteration is located in exon 64 (coding exon 61) of the HUWE1 gene. This alteration results from an A to G substitution at nucleotide position 8897, causing the glutamic acid (E) at amino acid position 2966 to be replaced by a glycine (G). This variant was not reported in population-based cohorts in the Genome Aggregation Database (gnomAD). This amino acid position is highly conserved in available vertebrate species. This missense alteration is located in a region that has a low rate of benign missense variation (Lek, 2016; Firth, 2009). This alteration is predicted to be tolerated by in silico analysis. Based on insufficient or conflicting evidence, the clinical significance of this alteration remains unclear.